The following is an entry in ClinVar:

NM_014956.5(CEP164):c.1622A>T (p.Glu541Val)

Gene: CEP164 (centrosomal protein 164; plus strand). Cytogenetic location: 11q23.3.
Variant type: single nucleotide variant.
Coding change: c.1622A>T on transcript NM_014956.5 (MANE Select); coding-DNA position 1622, A replaced by T.
Protein change: p.Glu541Val; replaces glutamic acid 541 with valine.
Molecular consequence: missense variant. On other transcripts: intron variant (27).
Genome position (GRCh38, 1-based): chr11:117,382,840, A>T. VCF-style: chr11-117382840-A-T. GRCh37 (hg19) VCF-style: chr11-117253556-A-T.
Other names: c.1631A>T, p.Glu544Val (NM_001271933.2, NM_001440949.1); c.1622A>T, p.Glu541Val (NM_001440950.1, NM_001440951.1, NM_001440953.1 and 1 more transcripts); c.1544A>T, p.Glu515Val (NM_001440954.1, NM_001440955.1, NM_001440958.1 and 2 more transcripts); c.1493A>T, p.Glu498Val (NM_001440960.1); c.1463A>T, p.Glu488Val (NM_001440972.1); c.1586+972A>T (NM_001440967.1, NM_001440961.1); c.1637+972A>T (NM_001440956.1, NM_001440957.1); c.1577+972A>T (NM_001440962.1, NM_001440970.1, NM_001440964.1 and 6 more transcripts); and 2 more; short protein forms E541V, E544V, E488V, E498V, E515V.
Identifiers: ClinVar variation 5001523 (VCV005001523.1).

ClinVar aggregate classification (germline): Uncertain significance (1 of 4 stars; one submission).

Conditions:
CEP164-related disorder. Also called: CEP164-related condition.

Submission:

PreventionGenetics, part of Exact Sciences
Classification: Uncertain significance for CEP164-related condition. Last evaluated: 2026-04-05. Review status: criteria provided, single submitter. Criteria: ACMG Guidelines, 2015. Collection method: clinical testing. Allele origin: germline.
Comment: The CEP164 c.1622A>T variant is predicted to result in the amino acid substitution p.Glu541Val. To our knowledge, this variant has not been reported in the literature. This variant is reported in 0.0029% of alleles in individuals of Latino descent in gnomAD. At this time, the clinical significance of this variant is uncertain due to the absence of conclusive functional and genetic evidence.